The following is an entry in ClinVar:

ClinVar aggregate classification (germline): Conflicting classifications of pathogenicity. Review status: criteria provided, conflicting classifications (1 of 4 stars). 6 submissions from 6 submitters: Uncertain significance (1); Benign (2); Likely benign (2). 1 of the submissions does not count toward it. Last evaluated 2025-05-26.

Conditions:
SH2B3-related disorder. Also called: SH2B3-related condition.

Allele frequency attached by ClinVar (database versions not stated): ExAC 0.00084; 1000 Genomes Project 0.00280; ESP Exome Variant Server 0.00377; gnomAD exomes 0.00029 and 0.00068; gnomAD 0.00277; TOPMed 0.00315; 1000 Genomes Project 30x 0.00281.
gnomAD v4.1: 864 of 1,613,648 alleles (0.054%); highest among the groups gnomAD compares: African/African-American, 1%; 1 homozygote.

Submissions (7):

Mayo Clinic Laboratories, Mayo Clinic
Classification: Likely benign. Last evaluated: 2025-05-26. Review status: criteria provided, single submitter. Criteria: ACMG Guidelines, 2015. Collection method: clinical testing. Allele origin: germline. Observed: 1 variant allele.
Comment: BS2, BP4_moderate

ARUP Laboratories, Molecular Genetics and Genomics, ARUP Laboratories
Classification: Likely benign. Last evaluated: 2024-04-22. Review status: criteria provided, single submitter. Criteria: ARUP Molecular Germline Variant Investigation Process 2024. Collection method: clinical testing. Allele origin: germline.

GeneDx
Classification: Uncertain significance. Last evaluated: 2022-03-11. Review status: criteria provided, single submitter. Criteria: GeneDx Variant Classification Process June 2021. Collection method: clinical testing. Allele origin: germline. Affected: yes.
Comment: In silico analysis supports that this missense variant does not alter protein structure/function; In silico analysis suggests this variant may impact gene splicing. In the absence of RNA/functional studies, the actual effect of this sequence change is unknown.; Has not been previously published as pathogenic or benign to our knowledge; Variants in candidate genes are classified as variants of uncertain significance in accordance with ACMG guidelines (Richards 2015)

Labcorp Genetics (formerly Invitae), Labcorp
Classification: Benign. Last evaluated: 2018-11-15. Review status: criteria provided, single submitter. Criteria: Invitae Variant Classification Sherloc (09022015). Collection method: clinical testing. Allele origin: germline.

Breakthrough Genomics
Classification: Benign. Review status: criteria provided, single submitter. Criteria: ACMG Guidelines, 2015. Collection method: not provided. Allele origin: germline. Inheritance: Autosomal dominant inheritance. Affected: yes.

PreventionGenetics, part of Exact Sciences
Classification: Likely benign for SH2B3-related condition. Last evaluated: 2024-06-10. Review status: no assertion criteria provided. Collection method: clinical testing. Allele origin: germline. Not counted in ClinVar's aggregate classification.
Comment: This variant is classified as likely benign based on ACMG/AMP sequence variant interpretation guidelines (Richards et al. 2015 PMID: 25741868, with internal and published modifications).

Dr. Peter K. Rogan Lab, Western University
No classification provided (evidence only). Condition: Uterine corpus endometrial carcinoma. Review status: no classification provided. Collection method: in vitro. Allele origin: not applicable. Functional consequence: retained intron. Not counted in ClinVar's aggregate classification.

NM_005475.3(SH2B3):c.1523G>A (p.Arg508Gln)

Gene: SH2B3 (SH2B adaptor protein 3; plus strand). Cytogenetic location: 12q24.12.
Variant type: single nucleotide variant.
Coding change: c.1523G>A on transcript NM_005475.3 (MANE Select); coding-DNA position 1523, G replaced by A.
Protein change: p.Arg508Gln; replaces arginine 508 with glutamine.
Molecular consequence: missense variant.
Genome position (GRCh38, 1-based): chr12:111,448,097, G>A. VCF-style: chr12-111448097-G-A. GRCh37 (hg19) VCF-style: chr12-111885901-G-A.
Other names: p.Arg306Gln; c.917G>A, p.Arg306Gln (NM_001291424.1); short protein forms R508Q, R306Q.
Identifiers: ClinVar variation 787931 (VCV000787931.9), dbSNP rs79819500, ClinGen allele CA6790016.